The following is an entry in ClinVar:

ClinVar aggregate classification (germline): Uncertain significance (1 of 4 stars; one submission).

Conditions:
Baller-Gerold syndrome (BGS). Also called: CRANIOSYNOSTOSIS WITH RADIAL DEFECTS. Identifiers: Orphanet 1225, MedGen C0265308, MONDO:0009039, OMIM 218600.

Allele frequency attached by ClinVar (database versions not stated): TOPMed below 0.00001; ExAC 0.00001.

Submission:

Labcorp Genetics (formerly Invitae), Labcorp
Classification: Uncertain significance for Baller-Gerold syndrome. Last evaluated: 2025-07-03. Review status: criteria provided, single submitter. Criteria: Invitae Variant Classification Sherloc (09022015). Collection method: clinical testing. Allele origin: germline.
Comment: This sequence change replaces valine, which is neutral and non-polar, with alanine, which is neutral and non-polar, at codon 772 of the RECQL4 protein (p.Val772Ala). This variant is present in population databases (rs773819025, gnomAD 0.001%). This variant has not been reported in the literature in individuals affected with RECQL4-related conditions. ClinVar contains an entry for this variant (Variation ID: 1035443). Invitae Evidence Modeling of protein sequence and biophysical properties (such as structural, functional, and spatial information, amino acid conservation, physicochemical variation, residue mobility, and thermodynamic stability) indicates that this missense variant is expected to disrupt RECQL4 protein function with a positive predictive value of 80%. In summary, the available evidence is currently insufficient to determine the role of this variant in disease. Therefore, it has been classified as a Variant of Uncertain Significance.

NM_004260.4(RECQL4):c.2315T>C (p.Val772Ala)

Gene: RECQL4 (RecQ like helicase 4; minus strand). Cytogenetic location: 8q24.3.
Variant type: single nucleotide variant.
Coding change: c.2315T>C on transcript NM_004260.4 (MANE Select); coding-DNA position 2315, T replaced by C.
Protein change: p.Val772Ala; replaces valine 772 with alanine.
Molecular consequence: missense variant.
Genome position (GRCh38, 1-based): chr8:144,513,366, A>G on the plus strand (T>C on the coding strand, the complement: RECQL4 is on the minus strand). VCF-style: chr8-144513366-A-G. GRCh37 (hg19) VCF-style: chr8-145738749-A-G.
Other names: short protein forms V772A.
Identifiers: ClinVar variation 1035443 (VCV001035443.5), dbSNP rs773819025, ClinGen allele CA4948336.